The following is an entry in ClinVar:

NM_007294.4(BRCA1):c.3839C>A (p.Ser1280Tyr)

Genes: BRCA1 (BRCA1 DNA repair associated; minus strand), LOC126862571 (BRD4-independent group 4 enhancer GRCh37_chr17:41243136-41244335; plus strand). Cytogenetic location: 17q21.31.
Variant type: single nucleotide variant.
Coding change: c.3839C>A on transcript NM_007294.4 (MANE Select); coding-DNA position 3839, C replaced by A.
Protein change: p.Ser1280Tyr; replaces serine 1280 with tyrosine.
Molecular consequence: missense variant. On other transcripts: intron variant (135).
Genome position (GRCh38, 1-based): chr17:43,091,692, G>T on the plus strand (C>A on the coding strand, the complement: BRCA1 is on the minus strand). VCF-style: chr17-43091692-G-T. GRCh37 (hg19) VCF-style: chr17-41243709-G-T.
Other names: c.3629C>A, p.Ser1210Tyr (NM_001407881.1, NM_001407882.1, NM_001407884.1 and 13 more transcripts); c.3626C>A, p.Ser1209Tyr (NM_001407894.1, NM_001407895.1, NM_001407896.1 and 9 more transcripts); c.3716C>A, p.Ser1239Tyr (NM_001407919.1, NM_001407937.1, NM_001407938.1 and 19 more transcripts); c.3575C>A, p.Ser1192Tyr (NM_001407920.1, NM_001407921.1, NM_001407922.1 and 9 more transcripts); c.3572C>A, p.Ser1191Tyr (NM_001407930.1, NM_001407931.1, NM_001407932.1 and 2 more transcripts); c.3713C>A, p.Ser1238Tyr (NM_001407940.1, NM_001407941.1, NM_001407649.1 and 11 more transcripts); c.3698C>A, p.Ser1233Tyr (NM_001407942.1, NM_001407944.1, NM_001407945.1 and 29 more transcripts); c.3695C>A, p.Ser1232Tyr (NM_001407943.1, NM_001407964.1, NM_001407740.1 and 20 more transcripts); and 41 more; short protein forms S1280Y, S1233Y, S1112Y, S1153Y, S1192Y, S1212Y, S1239Y, S1254Y.
Identifiers: ClinVar variation 824280 (VCV000824280.7), dbSNP rs1597860978, ClinGen allele CA10594288.

ClinVar aggregate classification (germline): Conflicting classifications of pathogenicity. Review status: criteria provided, conflicting classifications (1 of 4 stars). 2 submissions from 2 submitters: Uncertain significance (1); Likely benign (1). Last evaluated 2023-03-23.

Conditions:
Hereditary cancer-predisposing syndrome. Also called: Neoplastic Syndromes, Hereditary; Tumor predisposition; Hereditary neoplastic syndrome; Hereditary Cancer Syndrome. Identifiers: Orphanet 140162, MedGen C0027672, MeSH D009386, MONDO:0015356.

Submissions (2):

University of Washington Department of Laboratory Medicine, University of Washington
Classification: Likely benign for Hereditary cancer-predisposing syndrome. Last evaluated: 2023-03-23. Review status: criteria provided, single submitter. Criteria: Dines et al. (Genet Med. 2020). Collection method: curation. Allele origin: germline.
Comment: Missense variant in a coldspot region where missense variants are very unlikely to be pathogenic (PMID:31911673).

BRCA1 coldspot (exon 11 using historical exon numbering). Reclassification based on statistical prior probability

Ambry Genetics
Classification: Uncertain significance for Hereditary cancer-predisposing syndrome. Last evaluated: 2018-10-31. Review status: criteria provided, single submitter. Criteria: Ambry Variant Classification Scheme 2023. Collection method: clinical testing. Allele origin: germline.
Comment: The p.S1280Y variant (also known as c.3839C>A), located in coding exon 9 of the BRCA1 gene, results from a C to A substitution at nucleotide position 3839. The serine at codon 1280 is replaced by tyrosine, an amino acid with dissimilar properties. This amino acid position is well conserved in available vertebrate species. In addition, the in silico prediction for this alteration is inconclusive. Since supporting evidence is limited at this time, the clinical significance of this alteration remains unclear.